The following is an entry in ClinVar:

ClinVar aggregate classification (germline): Benign (0 of 4 stars; one submission).

Conditions:
KIF21B-related disorder. Also called: KIF21B-related disorders; KIF21B-related condition.

Allele frequency attached by ClinVar (database versions not stated): ExAC 0.02812; gnomAD 0.07820; 1000 Genomes Project 0.07967; 1000 Genomes Project 30x 0.08635; ESP Exome Variant Server 0.08819; TOPMed 0.08843.
gnomAD v4.1: 26,557 of 1,614,114 alleles (1.6%); highest among the groups gnomAD compares: African/African-American, 26%; 2,814 homozygotes.

Submission:

PreventionGenetics, part of Exact Sciences
Classification: Benign for KIF21B-related condition. Last evaluated: 2023-07-24. Review status: no assertion criteria provided. Collection method: clinical testing. Allele origin: germline.
Comment: This variant is classified as benign based on ACMG/AMP sequence variant interpretation guidelines (Richards et al. 2015 PMID: 25741868, with internal and published modifications).

NM_001252102.2(KIF21B):c.246G>A (p.Thr82=)

Gene: KIF21B (kinesin family member 21B; minus strand). Cytogenetic location: 1q32.1.
Variant type: single nucleotide variant.
Coding change: c.246G>A on transcript NM_001252102.2 (MANE Select); coding-DNA position 246, G replaced by A.
Protein change: p.Thr82=; no amino-acid change (threonine 82 retained).
Molecular consequence: synonymous variant.
Genome position (GRCh38, 1-based): chr1:201,009,284, C>T on the plus strand (G>A on the coding strand, the complement: KIF21B is on the minus strand). VCF-style: chr1-201009284-C-T. GRCh37 (hg19) VCF-style: chr1-200978412-C-T.
Other names: c.246G>A, p.Thr82= (NM_001252100.2, NM_001252103.2, NM_017596.4).
Identifiers: ClinVar variation 3056207 (VCV003056207.2), dbSNP rs7556510, ClinGen allele CA1321723.
Genomic context (GRCh38, chr1:201,009,284, plus strand): 5'-CCAAGGCTGGAGCCGCCATAGGTGGGCGTGAAGATGGCTTACCTGCCCATAGGCCAGCAC[C>T]GTGGCATTATAGCCCTCGAAGCAGCCCTCGATGAGCTTGCTCACACAGGTGGAATAGATC-3'
Protein context (NP_001239031.1, residues 72-92): IEGCFEGYNA[Thr82=]VLAYGQTGAG